The following is an entry in ClinVar:

ClinVar aggregate classification (germline): Likely benign. Review status: criteria provided, multiple submitters, no conflicts (2 of 4 stars). 3 submissions from 3 submitters: Likely benign (2). 1 of the submissions does not count toward it. Last evaluated 2018-12-24.

Allele frequency attached by ClinVar (database versions not stated): gnomAD exomes 0.00081 and 0.00180; ExAC 0.00346; gnomAD 0.00656 and 0.00708; 1000 Genomes Project 30x 0.00718; 1000 Genomes Project 0.00719; TOPMed 0.00762.
gnomAD v4.1: 2,028 of 1,396,810 alleles (0.15%); highest among the groups gnomAD compares: African/African-American, 2.3%; 23 homozygotes.

Submissions (3):

GeneDx
Classification: Likely benign. Last evaluated: 2018-12-24. Review status: criteria provided, single submitter. Criteria: GeneDx Variant Classification Process June 2021. Collection method: clinical testing. Allele origin: germline. Affected: yes.
Comment: This variant is associated with the following publications: (PMID: 24728327)

Breakthrough Genomics
Classification: Likely benign. Review status: criteria provided, single submitter. Criteria: ACMG Guidelines, 2015. Collection method: not provided. Allele origin: germline. Inheritance: Autosomal dominant inheritance. Affected: yes.

ITMI
No classification provided. Condition: AllHighlyPenetrant. Last evaluated: 2013-09-19. Review status: no classification provided. Collection method: reference population. Allele origin: germline. Not counted in ClinVar's aggregate classification.
Comment: Please see associated publication for description of ethnicities

Literature cited by the submitters: PubMed 24728327 (cited by ITMI).

NM_003073.5(SMARCB1):c.500+116C>T

Gene: SMARCB1 (SWI/SNF related BAF chromatin remodeling complex subunit B1; plus strand). Cytogenetic location: 22q11.23.
Variant type: single nucleotide variant.
Coding change: c.500+116C>T on transcript NM_003073.5 (MANE Select); 116 bases into the intron after coding-DNA position 500, C replaced by T.
Molecular consequence: intron variant.
Genome position (GRCh38, 1-based): chr22:23,801,197, C>T. VCF-style: chr22-23801197-C-T. GRCh37 (hg19) VCF-style: chr22-24143384-C-T.
Other names: c.554+62C>T (NM_001362877.2); c.527+62C>T (NM_001317946.2); c.473+116C>T (NM_001007468.3).
Identifiers: ClinVar variation 133391 (VCV000133391.4), dbSNP rs35782584, ClinGen allele CA156483.
Genomic context (GRCh38, chr22:23,801,197, plus strand): 5'-CACGTTTCAGTTCCTTCCTCCCCAGAAAAACACTCTGCTTTGACCTTGTGCTCCCCACAA[C>T]GCCACAGTACCTCCTCGCCTTTGAACTGTTGTGTTTCCCTGACTTCCAGGACATTGTCCA-3'